The following is an entry in ClinVar:

NM_022051.3(EGLN1):c.316G>C (p.Asp106His)

Gene: EGLN1 (egl-9 family hypoxia inducible factor 1; minus strand). Cytogenetic location: 1q42.2.
Variant type: single nucleotide variant.
Coding change: c.316G>C on transcript NM_022051.3 (MANE Select); coding-DNA position 316, G replaced by C.
Protein change: p.Asp106His; replaces aspartic acid 106 with histidine.
Molecular consequence: missense variant.
Genome position (GRCh38, 1-based): chr1:231,421,573, C>G on the plus strand (G>C on the coding strand, the complement: EGLN1 is on the minus strand). VCF-style: chr1-231421573-C-G. GRCh37 (hg19) VCF-style: chr1-231557319-C-G.
Other names: c.316G>C, p.Asp106His (NM_001377260.1, NM_001377261.1); short protein forms D106H.
Identifiers: ClinVar variation 3507200 (VCV003507200.1).

ClinVar aggregate classification (germline): Uncertain significance (1 of 4 stars; one submission).

Submission:

Ambry Genetics
Classification: Uncertain significance. Last evaluated: 2024-09-02. Review status: criteria provided, single submitter. Criteria: Ambry Variant Classification Scheme 2023. Collection method: clinical testing. Allele origin: germline.
Comment: The p.D106H variant (also known as c.316G>C), located in coding exon 1 of the EGLN1 gene, results from a G to C substitution at nucleotide position 316. The aspartic acid at codon 106 is replaced by histidine, an amino acid with similar properties. This amino acid position is conserved. In addition, this alteration is predicted to be tolerated by in silico analysis. Based on the available evidence, the clinical significance of this variant remains unclear.